The following is an entry in ClinVar:

NM_020163.3(SEMA3G):c.2126A>G (p.Asp709Gly)

Gene: SEMA3G (semaphorin 3G; minus strand). Cytogenetic location: 3p21.1.
Variant type: single nucleotide variant.
Coding change: c.2126A>G on transcript NM_020163.3 (MANE Select); coding-DNA position 2126, A replaced by G.
Protein change: p.Asp709Gly; replaces aspartic acid 709 with glycine.
Molecular consequence: missense variant.
Genome position (GRCh38, 1-based): chr3:52,435,826, T>C on the plus strand (A>G on the coding strand, the complement: SEMA3G is on the minus strand). VCF-style: chr3-52435826-T-C. GRCh37 (hg19) VCF-style: chr3-52469842-T-C.
Other names: short protein forms D709G.
Identifiers: ClinVar variation 3345142 (VCV003345142.1).

ClinVar aggregate classification (germline): Uncertain significance (0 of 4 stars; one submission).

Conditions:
SEMA3G-related disorder. Also called: SEMA3G-related condition.

gnomAD v4.1: 1 of 1,614,078 alleles (0.000062%); highest among the groups gnomAD compares: Non-Finnish European, 0.000085%; no homozygotes.

Submission:

PreventionGenetics, part of Exact Sciences
Classification: Uncertain significance for SEMA3G-related condition. Last evaluated: 2024-07-17. Review status: no assertion criteria provided. Collection method: clinical testing. Allele origin: germline.
Comment: The SEMA3G c.2126A>G variant is predicted to result in the amino acid substitution p.Asp709Gly. To our knowledge, this variant has not been reported in the literature or in a large population database, indicating this variant is rare. At this time, the clinical significance of this variant is uncertain due to the absence of conclusive functional and genetic evidence.